The following is an entry in ClinVar:

ClinVar aggregate classification (germline): Uncertain significance. Review status: criteria provided, multiple submitters, no conflicts (2 of 4 stars). 2 submissions from 2 submitters: Uncertain significance (2). Last evaluated 2026-01-26.

Conditions:
Inborn genetic diseases. Identifiers: MedGen C0950123, MeSH D030342.

Allele frequency attached by ClinVar (database versions not stated): gnomAD 0.00001; ExAC 0.00002; TOPMed 0.00002; gnomAD exomes 0.00010.
gnomAD v4.1: 31 of 1,595,976 alleles (0.0019%); highest among the groups gnomAD compares: Admixed American, 0.053%; no homozygotes.

Submissions (2):

Labcorp Genetics (formerly Invitae), Labcorp
Classification: Uncertain significance. Last evaluated: 2026-01-26. Review status: criteria provided, single submitter. Criteria: Invitae Variant Classification Sherloc (09022015). Collection method: clinical testing. Allele origin: germline.
Comment: This sequence change replaces glycine, which is neutral and non-polar, with valine, which is neutral and non-polar, at codon 132 of the MPDZ protein (p.Gly132Val). This variant is present in population databases (rs762475238, gnomAD 0.09%). This variant has not been reported in the literature in individuals affected with MPDZ-related conditions. ClinVar contains an entry for this variant (Variation ID: 1055498). An algorithm developed to predict the effect of missense changes on protein structure and function (PolyPhen-2) suggests that this variant is likely to be disruptive. In summary, the available evidence is currently insufficient to determine the role of this variant in disease. Therefore, it has been classified as a Variant of Uncertain Significance.

Ambry Genetics
Classification: Uncertain significance for Inborn genetic diseases. Last evaluated: 2021-05-29. Review status: criteria provided, single submitter. Criteria: Ambry Variant Classification Scheme 2023. Collection method: clinical testing. Allele origin: germline.

NM_001378778.1(MPDZ):c.395G>T (p.Gly132Val)

Gene: MPDZ (multiple PDZ domain crumbs cell polarity complex component; minus strand). Cytogenetic location: 9p23.
Variant type: single nucleotide variant.
Coding change: c.395G>T on transcript NM_001378778.1 (MANE Select); coding-DNA position 395, G replaced by T.
Protein change: p.Gly132Val; replaces glycine 132 with valine.
Molecular consequence: missense variant.
Genome position (GRCh38, 1-based): chr9:13,223,709, C>A on the plus strand (G>T on the coding strand, the complement: MPDZ is on the minus strand). VCF-style: chr9-13223709-C-A. GRCh37 (hg19) VCF-style: chr9-13223708-C-A.
Other names: c.395G>T, p.Gly132Val (NM_001261406.2, NM_001261407.2, NM_001330637.2 and 14 more transcripts); c.395G>T (NM_003829.3); short protein forms G132V.
Identifiers: ClinVar variation 1055498 (VCV001055498.8), dbSNP rs762475238, ClinGen allele CA4988123.